The following is an entry in ClinVar:

ClinVar aggregate classification (germline): Benign. Review status: criteria provided, multiple submitters, no conflicts (2 of 4 stars). 2 submissions from 2 submitters: Benign (2). Last evaluated 2018-01-13.

Conditions:
Autoimmune lymphoproliferative syndrome type 1. Also called: AUTOIMMUNE LYMPHOPROLIFERATIVE SYNDROME, TYPE I, AUTOSOMAL DOMINANT. Identifiers: Orphanet 3261, MedGen C2717884, MONDO:0011158, OMIM 601859.

Allele frequency attached by ClinVar (database versions not stated): gnomAD 0.03922 and 0.04056; 1000 Genomes Project 0.04073; gnomAD exomes 0.07236 and 0.05741; 1000 Genomes Project 30x 0.04076; TOPMed 0.04806; ExAC 0.05008.
gnomAD v4.1: 27,857 of 534,864 alleles (5.2%); highest among the groups gnomAD compares: Admixed American, 17%; 1,316 homozygotes.

Submissions (2):

Illumina Laboratory Services, Illumina
Classification: Benign for Autoimmune lymphoproliferative syndrome type 1. Last evaluated: 2018-01-13. Review status: criteria provided, single submitter. Criteria: ICSL Variant Classification Criteria 13 December 2019. Collection method: clinical testing. Allele origin: germline.
Comment: This variant was observed in the ICSL laboratory as part of a predisposition screen in an ostensibly healthy population. It had not been previously curated by ICSL or reported in the Human Gene Mutation Database (HGMD: prior to June 1st, 2018), and was therefore a candidate for classification through an automated scoring system. Utilizing variant allele frequency, disease prevalence and penetrance estimates, and inheritance mode, an automated score was calculated to assess if this variant is too frequent to cause the disease. Based on the score and internal cut-off values, a variant classified as benign is not then subjected to further curation. The score for this variant resulted in a classification of benign for this disease.

Breakthrough Genomics
Classification: Benign. Review status: criteria provided, single submitter. Criteria: ACMG Guidelines, 2015. Collection method: not provided. Allele origin: germline. Inheritance: Autosomal dominant inheritance. Affected: yes.

NM_000043.6(FAS):c.*765T>C

Gene: FAS (Fas cell surface death receptor; plus strand). Cytogenetic location: 10q23.31.
Variant type: single nucleotide variant.
Coding change: c.*765T>C on transcript NM_000043.6 (MANE Select); 765 bases downstream of the stop codon, T replaced by C.
Molecular consequence: 3 prime UTR variant. On other transcripts: non-coding transcript variant (7).
Genome position (GRCh38, 1-based): chr10:89,015,215, T>C. VCF-style: chr10-89015215-T-C. GRCh37 (hg19) VCF-style: chr10-90774972-T-C.
Other names: c.*1096T>C (NM_001320619.2); c.*765T>C (NM_152871.4); c.*1085T>C (NM_152872.4).
Identifiers: ClinVar variation 301541 (VCV000301541.6), dbSNP rs9658776, ClinGen allele CA5593279.